The following is an entry in ClinVar:

NM_001718.6(BMP6):c.612G>A (p.Gln204=)

Gene: BMP6 (bone morphogenetic protein 6; plus strand). Cytogenetic location: 6p24.3.
Variant type: single nucleotide variant.
Coding change: c.612G>A on transcript NM_001718.6 (MANE Select); coding-DNA position 612, G replaced by A.
Protein change: p.Gln204=; no amino-acid change (glutamine 204 retained).
Molecular consequence: synonymous variant.
Genome position (GRCh38, 1-based): chr6:7,727,567, G>A. VCF-style: chr6-7727567-G-A. GRCh37 (hg19) VCF-style: chr6-7727800-G-A.
Identifiers: ClinVar variation 3049758 (VCV003049758.2), dbSNP rs183103360, ClinGen allele CA3628629.

ClinVar aggregate classification (germline): Likely benign (0 of 4 stars; one submission).

Conditions:
BMP6-related disorder. Also called: BMP6-related condition.

Allele frequency attached by ClinVar (database versions not stated): 1000 Genomes Project 30x 0.00031; TOPMed 0.00037; 1000 Genomes Project 0.00040; gnomAD 0.00044.
gnomAD v4.1: 280 of 1,587,576 alleles (0.018%); highest among the groups gnomAD compares: Admixed American, 0.088%; 1 homozygote.

Submission:

PreventionGenetics, part of Exact Sciences
Classification: Likely benign for BMP6-related condition. Last evaluated: 2019-07-16. Review status: no assertion criteria provided. Collection method: clinical testing. Allele origin: germline.
Comment: This variant is classified as likely benign based on ACMG/AMP sequence variant interpretation guidelines (Richards et al. 2015 PMID: 25741868, with internal and published modifications).